The following is an entry in ClinVar:

NM_138927.4(SON):c.4399A>G (p.Ile1467Val)

Gene: SON (SON DNA and RNA binding protein; plus strand). Cytogenetic location: 21q22.11.
Variant type: single nucleotide variant.
Coding change: c.4399A>G on transcript NM_138927.4 (MANE Select); coding-DNA position 4399, A replaced by G.
Protein change: p.Ile1467Val; replaces isoleucine 1467 with valine.
Molecular consequence: missense variant. On other transcripts: non-coding transcript variant (1), intron variant (1).
Genome position (GRCh38, 1-based): chr21:33,553,630, A>G. VCF-style: chr21-33553630-A-G. GRCh37 (hg19) VCF-style: chr21-34925936-A-G.
Other names: c.4399A>G, p.Ile1467Val (NM_001291411.2, NM_032195.3); c.245-3526A>G (NM_001291412.3); short protein forms I1467V.
Identifiers: ClinVar variation 708851 (VCV000708851.37), dbSNP rs142751481, ClinGen allele CA10009517.

ClinVar aggregate classification (germline): Benign/Likely benign. Review status: criteria provided, multiple submitters, no conflicts (2 of 4 stars). 6 submissions from 6 submitters: Benign (2); Likely benign (2). 2 of the submissions do not count toward it. Last evaluated 2026-01-26.

Allele frequency attached by ClinVar (database versions not stated): 1000 Genomes Project 30x 0.00031; 1000 Genomes Project 0.00040; gnomAD 0.00094 and 0.00095; gnomAD exomes 0.00096; ExAC 0.00102; ESP Exome Variant Server 0.00131; TOPMed 0.00151.

Submissions (6):

Labcorp Genetics (formerly Invitae), Labcorp
Classification: Benign. Last evaluated: 2026-01-26. Review status: criteria provided, single submitter. Criteria: Invitae Variant Classification Sherloc (09022015). Collection method: clinical testing. Allele origin: germline.

CeGaT Center for Human Genetics Tuebingen
Classification: Likely benign. Last evaluated: 2025-08-01. Review status: criteria provided, single submitter. Criteria: CeGaT Center For Human Genetics Tuebingen Variant Classification Criteria Version 2. Collection method: clinical testing. Allele origin: germline. Affected: yes. Observed: 11 variant alleles.
Comment: SON: BP4, BS1

Blueprint Genetics
Classification: Likely benign. Last evaluated: 2024-11-07. Review status: criteria provided, single submitter. Criteria: ACMG Guidelines, 2015. Collection method: clinical testing. Allele origin: germline.

Breakthrough Genomics
Classification: Benign. Review status: criteria provided, single submitter. Criteria: ACMG Guidelines, 2015. Collection method: not provided. Allele origin: germline. Inheritance: Autosomal dominant inheritance. Affected: yes.

Clinical Genetics DNA and cytogenetics Diagnostics Lab, Erasmus MC, Erasmus Medical Center
Classification: Likely benign. Review status: no assertion criteria provided. Collection method: clinical testing. Allele origin: germline. Affected: yes. Study: VKGL Data-share Consensus. Not counted in ClinVar's aggregate classification.

Genome Diagnostics Laboratory, University Medical Center Utrecht
Classification: Likely benign. Review status: no assertion criteria provided. Collection method: clinical testing. Allele origin: germline. Affected: yes. Study: VKGL Data-share Consensus. Not counted in ClinVar's aggregate classification.